The following is an entry in ClinVar:

NM_025207.5(FLAD1):c.1364G>A (p.Arg455Lys)

Gene: FLAD1 (flavin adenine dinucleotide synthetase 1; plus strand). Cytogenetic location: 1q21.3.
Variant type: single nucleotide variant.
Coding change: c.1364G>A on transcript NM_025207.5 (MANE Select); coding-DNA position 1364, G replaced by A.
Protein change: p.Arg455Lys; replaces arginine 455 with lysine.
Molecular consequence: missense variant.
Genome position (GRCh38, 1-based): chr1:154,990,257, G>A. VCF-style: chr1-154990257-G-A. GRCh37 (hg19) VCF-style: chr1-154962733-G-A.
Other names: c.1073G>A, p.Arg358Lys (NM_001184891.2, NM_201398.3); short protein forms R358K, R455K.
Identifiers: ClinVar variation 1907997 (VCV001907997.5), dbSNP rs769980150, ClinGen allele CA1134540.

ClinVar aggregate classification (germline): Uncertain significance (1 of 4 stars; one submission).

Allele frequency attached by ClinVar (database versions not stated): gnomAD exomes below 0.00001; ExAC 0.00001.
gnomAD v4.1: 2 of 1,613,862 alleles (0.00012%); highest among the groups gnomAD compares: Non-Finnish European, 0.00017%; no homozygotes.

Submission:

Labcorp Genetics (formerly Invitae), Labcorp
Classification: Uncertain significance. Last evaluated: 2022-10-18. Review status: criteria provided, single submitter. Criteria: Invitae Variant Classification Sherloc (09022015). Collection method: clinical testing. Allele origin: germline.
Comment: In summary, the available evidence is currently insufficient to determine the role of this variant in disease. Therefore, it has been classified as a Variant of Uncertain Significance. Variants that disrupt the consensus splice site are a relatively common cause of aberrant splicing (PMID: 17576681, 9536098). Algorithms developed to predict the effect of sequence changes on RNA splicing suggest that this variant may disrupt the consensus splice site. Algorithms developed to predict the effect of missense changes on protein structure and function are either unavailable or do not agree on the potential impact of this missense change (SIFT: "Tolerated"; PolyPhen-2: "Possibly Damaging"; Align-GVGD: "Class C0"). This variant has not been reported in the literature in individuals affected with FLAD1-related conditions. This variant is present in population databases (rs769980150, gnomAD 0.0009%). This sequence change replaces arginine, which is basic and polar, with lysine, which is basic and polar, at codon 455 of the FLAD1 protein (p.Arg455Lys). This variant also falls at the last nucleotide of exon 4, which is part of the consensus splice site for this exon.

Literature cited by the submitters: PubMed 17576681; PubMed 9536098.